The following is an entry in ClinVar:

NM_001366385.1(CARD14):c.1459C>T (p.Arg487Trp)

Gene: CARD14 (caspase recruitment domain family member 14; plus strand). Cytogenetic location: 17q25.3.
Variant type: single nucleotide variant.
Coding change: c.1459C>T on transcript NM_001366385.1 (MANE Select); coding-DNA position 1459, C replaced by T.
Protein change: p.Arg487Trp; replaces arginine 487 with tryptophan.
Molecular consequence: missense variant. On other transcripts: non-coding transcript variant (1).
Genome position (GRCh38, 1-based): chr17:80,195,293, C>T. VCF-style: chr17-80195293-C-T. GRCh37 (hg19) VCF-style: chr17-78169092-C-T.
Other names: c.1459C>T, p.Arg487Trp (NM_001257970.1, NM_024110.4); c.748C>T, p.Arg250Trp (NM_052819.3); short protein forms R250W, R487W.
Identifiers: ClinVar variation 2929089 (VCV002929089.3), dbSNP rs1442746103, ClinGen allele CA401349116.

ClinVar aggregate classification (germline): Uncertain significance (1 of 4 stars; one submission).

Conditions:
Pityriasis rubra pilaris (PRP). Also called: Pityriasis rubra pilaris--familial type. Identifiers: Orphanet 2897, MedGen C0032027, MONDO:0100017, OMIM 173200, MONDO:0008251.
Psoriasis 2. Identifiers: MedGen C1864497, MONDO:0011269, OMIM 602723.

Allele frequency attached by ClinVar (database versions not stated): gnomAD exomes 0.00001; TOPMed 0.00001.
gnomAD v4.1: 8 of 1,612,886 alleles (0.0005%); highest among the groups gnomAD compares: Admixed American, 0.0033%; no homozygotes.

Submission:

Labcorp Genetics (formerly Invitae), Labcorp
Classification: Uncertain significance for Pityriasis rubra pilaris; Psoriasis 2. Last evaluated: 2023-01-20. Review status: criteria provided, single submitter. Criteria: Invitae Variant Classification Sherloc (09022015). Collection method: clinical testing. Allele origin: germline.
Comment: In summary, the available evidence is currently insufficient to determine the role of this variant in disease. Therefore, it has been classified as a Variant of Uncertain Significance. Advanced modeling of protein sequence and biophysical properties (such as structural, functional, and spatial information, amino acid conservation, physicochemical variation, residue mobility, and thermodynamic stability) performed at Invitae indicates that this missense variant is expected to disrupt CARD14 protein function. This variant has not been reported in the literature in individuals affected with CARD14-related conditions. This variant is present in population databases (no rsID available, gnomAD 0.006%). This sequence change replaces arginine, which is basic and polar, with tryptophan, which is neutral and slightly polar, at codon 487 of the CARD14 protein (p.Arg487Trp).